The following is an entry in ClinVar:

ClinVar aggregate classification (germline): Likely pathogenic (1 of 4 stars; one submission).

Submission:

GeneDx
Classification: Likely pathogenic. Last evaluated: 2019-06-26. Review status: criteria provided, single submitter. Criteria: GeneDx Variant Classification Process June 2021. Collection method: clinical testing. Allele origin: germline. Affected: yes.
Comment: Frameshift variant predicted to result in protein truncation [or nonsense mediated decay] in a gene for which loss-of-function is a known mechanism of disease; Not observed in large population cohorts (Lek 2016); Has not been previously published as pathogenic or benign to our knowledge; Also denoted BRCA2 c.9819delC using alternate nomenclature

NM_000059.4(BRCA2):c.9591del (p.Cys3198fs)

Gene: BRCA2 (BRCA2 DNA repair associated; plus strand). Cytogenetic location: 13q13.1.
Variant type: Deletion.
Coding change: c.9591del on transcript NM_000059.4 (MANE Select); coding-DNA position 9591, one base deleted (C; older notation c.9591delC).
Protein change: p.Cys3198fs; shifts the reading frame from cysteine 3198.
Molecular consequence: frameshift variant.
Genome position (GRCh38, 1-based): chr13:32,396,987, C deleted. VCF-style (leftmost placement, unchanged base first): chr13-32396986-AC-A. GRCh37 (hg19) VCF-style: chr13-32971123-AC-A.
Other names: c.9591delC (NM_000059.3); short protein forms C3198fs.
Identifiers: ClinVar variation 545883 (VCV000545883.4), dbSNP rs1555289787, ClinGen allele CA658823593.